The following is an entry in ClinVar:

NM_000760.4(CSF3R):c.1900G>A (p.Gly634Ser)

Gene: CSF3R (colony stimulating factor 3 receptor; minus strand). Cytogenetic location: 1p34.3.
Variant type: single nucleotide variant.
Coding change: c.1900G>A on transcript NM_000760.4 (MANE Select); coding-DNA position 1900, G replaced by A.
Protein change: p.Gly634Ser; replaces glycine 634 with serine.
Molecular consequence: missense variant.
Genome position (GRCh38, 1-based): chr1:36,467,616, C>T on the plus strand (G>A on the coding strand, the complement: CSF3R is on the minus strand). VCF-style: chr1-36467616-C-T. GRCh37 (hg19) VCF-style: chr1-36933217-C-T.
Other names: c.1900G>A, p.Gly634Ser (NM_156039.3, NM_172313.3); short protein forms G634S.
Identifiers: ClinVar variation 2638674 (VCV002638674.25), dbSNP rs1287134931, ClinGen allele CA339417245.

ClinVar aggregate classification (germline): Conflicting classifications of pathogenicity. Review status: criteria provided, conflicting classifications (1 of 4 stars). 2 submissions from 2 submitters: Uncertain significance (1); Likely benign (1). Last evaluated 2025-06-24.

Conditions:
Autosomal recessive severe congenital neutropenia due to CSF3R deficiency. Also called: Neutropenia, severe congenital, 7, autosomal recessive. Identifiers: Orphanet 420702, MedGen C4310764, MONDO:0014865, OMIM 617014.

Allele frequency attached by ClinVar (database versions not stated): gnomAD exomes 0.00001; TOPMed 0.00001.

Submissions (2):

Labcorp Genetics (formerly Invitae), Labcorp
Classification: Uncertain significance for Autosomal recessive severe congenital neutropenia due to CSF3R deficiency. Last evaluated: 2025-06-24. Review status: criteria provided, single submitter. Criteria: Invitae Variant Classification Sherloc (09022015). Collection method: clinical testing. Allele origin: germline.
Comment: This sequence change replaces glycine, which is neutral and non-polar, with serine, which is neutral and polar, at codon 634 of the CSF3R protein (p.Gly634Ser). This variant is present in population databases (no rsID available, gnomAD 0.01%). This variant has not been reported in the literature in individuals affected with CSF3R-related conditions. ClinVar contains an entry for this variant (Variation ID: 2638674). Invitae Evidence Modeling of protein sequence and biophysical properties (such as structural, functional, and spatial information, amino acid conservation, physicochemical variation, residue mobility, and thermodynamic stability) indicates that this missense variant is not expected to disrupt CSF3R protein function with a negative predictive value of 80%. In summary, the available evidence is currently insufficient to determine the role of this variant in disease. Therefore, it has been classified as a Variant of Uncertain Significance.

CeGaT Center for Human Genetics Tuebingen
Classification: Likely benign. Last evaluated: 2022-11-01. Review status: criteria provided, single submitter. Criteria: CeGaT Center For Human Genetics Tuebingen Variant Classification Criteria Version 2. Collection method: clinical testing. Allele origin: germline. Affected: yes. Observed: 1 variant allele.
Comment: CSF3R: BP4